The following is an entry in ClinVar:

ClinVar aggregate classification (germline): Uncertain significance (1 of 4 stars; one submission).

Conditions:
Cardiac arrhythmia. Also called: Arrhythmia; Cardiac rhythm disease. Identifiers: MedGen C0003811, MONDO:0007263, HP:0011675.

Submission:

Color Diagnostics, LLC DBA Color Health
Classification: Uncertain significance for Cardiac arrhythmia. Last evaluated: 2024-03-06. Review status: criteria provided, single submitter. Criteria: ACMG Guidelines, 2015. Collection method: clinical testing. Allele origin: germline.
Comment: This missense variant replaces histidine with aspartic acid at codon 620 of the KCNQ1 protein. Computational prediction is inconclusive regarding the impact of this variant on protein structure and function (internally defined REVEL score threshold 0.5 < inconclusive < 0.7, PMID: 27666373). To our knowledge, functional studies have not been reported for this variant. This variant has not been reported in individuals affected with cardiovascular disorders in the literature. This variant has not been identified in the general population by the Genome Aggregation Database (gnomAD). The available evidence is insufficient to determine the role of this variant in disease conclusively. Therefore, this variant is classified as a Variant of Uncertain Significance.

NM_000218.3(KCNQ1):c.1858C>G (p.His620Asp)

Genes: KCNQ1-AS1 (KCNQ1 antisense RNA 1; minus strand), KCNQ1 (potassium voltage-gated channel subfamily Q member 1; plus strand). Cytogenetic location: 11p15.4.
Variant type: single nucleotide variant.
Coding change: c.1858C>G on transcript NM_000218.3 (MANE Select); coding-DNA position 1858, C replaced by G.
Protein change: p.His620Asp; replaces histidine 620 with aspartic acid.
Molecular consequence: missense variant.
Genome position (GRCh38, 1-based): chr11:2,847,830, C>G. VCF-style: chr11-2847830-C-G. GRCh37 (hg19) VCF-style: chr11-2869060-C-G.
Other names: c.1762C>G, p.His588Asp (NM_001406836.1); c.1588C>G, p.His530Asp (NM_001406837.1); c.1318C>G, p.His440Asp (NM_001406838.1); c.370C>G, p.His124Asp (NM_001406839.1); c.1477C>G, p.His493Asp (NM_181798.2); short protein forms H493D, H620D, H124D, H530D, H440D, H588D.
Identifiers: ClinVar variation 1332678 (VCV001332678.6), dbSNP rs2134096944, ClinGen allele CA379140306.